The following is an entry in ClinVar:

ClinVar aggregate classification (germline): Conflicting classifications of pathogenicity. Review status: criteria provided, conflicting classifications (1 of 4 stars). 6 submissions from 6 submitters: Uncertain significance (1); Likely benign (4). 1 of the submissions does not count toward it. Last evaluated 2026-01-12.

Conditions:
CPS1-related disorder. Also called: CPS1-related condition.
Congenital hyperammonemia, type I. Also called: Carbamoyl-phosphate synthase I deficiency; Carbamoyl phosphate synthetase I deficiency disease; CPS I DEFICIENCY; Carbamoyl phosphate synthetase 1 deficiency; Hyperammonemia due to carbamoyl phosphate synthetase 1 deficiency; CPS 1 deficiency. Identifiers: Orphanet 147, MedGen C4082171, MONDO:0009376, OMIM 237300.

Allele frequency attached by ClinVar (database versions not stated): gnomAD 0.00017; TOPMed 0.00020; ESP Exome Variant Server 0.00031.
gnomAD v4.1: 257 of 1,613,994 alleles (0.016%); highest among the groups gnomAD compares: Non-Finnish European, 0.021%; no homozygotes.

Submissions (6):

Labcorp Genetics (formerly Invitae), Labcorp
Classification: Likely benign for Congenital hyperammonemia, type I. Last evaluated: 2026-01-12. Review status: criteria provided, single submitter. Criteria: Invitae Variant Classification Sherloc (09022015). Collection method: clinical testing. Allele origin: germline.

Blueprint Genetics
Classification: Likely benign. Last evaluated: 2024-08-16. Review status: criteria provided, single submitter. Criteria: ACMG Guidelines, 2015. Collection method: clinical testing. Allele origin: germline.

CeGaT Center for Human Genetics Tuebingen
Classification: Likely benign. Last evaluated: 2022-08-01. Review status: criteria provided, single submitter. Criteria: CeGaT Center For Human Genetics Tuebingen Variant Classification Criteria Version 2. Collection method: clinical testing. Allele origin: germline. Affected: yes. Observed: 1 variant allele.
Comment: CPS1: BP4, BP7

Illumina Laboratory Services, Illumina
Classification: Uncertain significance for Congenital hyperammonemia, type I. Last evaluated: 2018-01-13. Review status: criteria provided, single submitter. Criteria: ICSL Variant Classification Criteria 13 December 2019. Collection method: clinical testing. Allele origin: germline.

GeneDx
Classification: Likely benign. Last evaluated: 2016-05-17. Review status: criteria provided, single submitter. Criteria: GeneDx Variant Classification (06012015). Collection method: clinical testing. Allele origin: germline. Affected: yes.
Comment: This variant is considered likely benign or benign based on one or more of the following criteria: it is a conservative change, it occurs at a poorly conserved position in the protein, it is predicted to be benign by multiple in silico algorithms, and/or has population frequency not consistent with disease.

PreventionGenetics, part of Exact Sciences
Classification: Likely benign for CPS1-related condition. Last evaluated: 2019-07-09. Review status: no assertion criteria provided. Collection method: clinical testing. Allele origin: germline. Not counted in ClinVar's aggregate classification.
Comment: This variant is classified as likely benign based on ACMG/AMP sequence variant interpretation guidelines (Richards et al. 2015 PMID: 25741868, with internal and published modifications).

NM_001875.5(CPS1):c.3057T>C (p.Thr1019=)

Gene: CPS1 (carbamoyl-phosphate synthase 1; plus strand). Cytogenetic location: 2q34.
Variant type: single nucleotide variant.
Coding change: c.3057T>C on transcript NM_001875.5 (MANE Select); coding-DNA position 3057, T replaced by C.
Protein change: p.Thr1019=; no amino-acid change (threonine 1019 retained).
Molecular consequence: synonymous variant. On other transcripts: non-coding transcript variant (2).
Genome position (GRCh38, 1-based): chr2:210,642,581, T>C. VCF-style: chr2-210642581-T-C. GRCh37 (hg19) VCF-style: chr2-211507305-T-C.
Other names: c.3057T>C (LRG_336t1); c.3057T>C, p.Thr1019= (NM_001122633.3, NM_001369257.1); c.3090T>C, p.Thr1030= (NM_001369256.1).
Identifiers: ClinVar variation 385662 (VCV000385662.40), dbSNP rs150601728, ClinGen allele CA2086831.